The following is an entry in ClinVar:

ClinVar aggregate classification (germline): Uncertain significance. Review status: criteria provided, multiple submitters, no conflicts (2 of 4 stars). 3 submissions from 3 submitters: Uncertain significance (3). Last evaluated 2026-03-18.

Conditions:
SLC19A3-related disorder. Also called: SLC19A3-related condition.
Biotin-responsive basal ganglia disease (BTBGD). Also called: THIAMINE METABOLISM DYSFUNCTION SYNDROME 2 (BIOTIN- AND THIAMINE-RESPONSIVE TYPE); thiamine-responsive encephalopathy; Thiamine Transporter-2 Deficiency; Thiamine metabolism dysfunction syndrome 2 (biotin- or thiamine-responsive encephalopathy type 2); Thiamine metabolism dysfunction syndrome type 2. Identifiers: Orphanet 199348, Orphanet 65284, MedGen C1843807, MONDO:0011841, OMIM 607483.

Allele frequency attached by ClinVar (database versions not stated): gnomAD exomes 0.00002 and below 0.00001; TOPMed 0.00003; gnomAD 0.00004 and 0.00005; ExAC 0.00002.
gnomAD v4.1: 13 of 1,614,032 alleles (0.00081%); highest among the groups gnomAD compares: African/African-American, 0.011%; no homozygotes.

Submissions (3):

PreventionGenetics, part of Exact Sciences
Classification: Uncertain significance for SLC19A3-related condition. Last evaluated: 2026-03-18. Review status: criteria provided, single submitter. Criteria: ACMG Guidelines, 2015. Collection method: clinical testing. Allele origin: germline.
Comment: The SLC19A3 c.400G>A variant is predicted to result in the amino acid substitution p.Glu134Lys. To our knowledge, this variant has not been reported in the literature. This variant is reported in 0.016% of alleles in individuals of African descent in gnomAD. At this time, the clinical significance of this variant is uncertain due to the absence of conclusive functional and genetic evidence.

Labcorp Genetics (formerly Invitae), Labcorp
Classification: Uncertain significance for Biotin-responsive basal ganglia disease. Last evaluated: 2021-08-31. Review status: criteria provided, single submitter. Criteria: Invitae Variant Classification Sherloc (09022015). Collection method: clinical testing. Allele origin: germline.
Comment: This sequence change replaces glutamic acid with lysine at codon 134 of the SLC19A3 protein (p.Glu134Lys). The glutamic acid residue is moderately conserved and there is a small physicochemical difference between glutamic acid and lysine. This variant is present in population databases (rs755314399, ExAC 0.02%). This variant has not been reported in the literature in individuals affected with SLC19A3-related conditions. Algorithms developed to predict the effect of missense changes on protein structure and function are either unavailable or do not agree on the potential impact of this missense change (SIFT: "Tolerated"; PolyPhen-2: "Probably Damaging"; Align-GVGD: "Class C0"). In summary, the available evidence is currently insufficient to determine the role of this variant in disease. Therefore, it has been classified as a Variant of Uncertain Significance.

Breakthrough Genomics
Classification: Uncertain significance. Review status: criteria provided, single submitter. Criteria: ACMG Guidelines, 2015. Collection method: not provided. Allele origin: germline. Inheritance: Autosomal recessive inheritance. Affected: yes.

NM_025243.4(SLC19A3):c.400G>A (p.Glu134Lys)

Gene: SLC19A3 (solute carrier family 19 member 3; minus strand). Cytogenetic location: 2q36.3.
Variant type: single nucleotide variant.
Coding change: c.400G>A on transcript NM_025243.4 (MANE Select); coding-DNA position 400, G replaced by A.
Protein change: p.Glu134Lys; replaces glutamic acid 134 with lysine.
Molecular consequence: missense variant.
Genome position (GRCh38, 1-based): chr2:227,699,315, C>T on the plus strand (G>A on the coding strand, the complement: SLC19A3 is on the minus strand). VCF-style: chr2-227699315-C-T. GRCh37 (hg19) VCF-style: chr2-228564031-C-T.
Other names: short protein forms E134K.
Identifiers: ClinVar variation 575721 (VCV000575721.8), dbSNP rs755314399, ClinGen allele CA2149305.